The following is an entry in ClinVar:

NM_004336.5(BUB1):c.1504G>A (p.Ala502Thr)

Gene: BUB1 (BUB1 mitotic checkpoint serine/threonine kinase; minus strand). Cytogenetic location: 2q13.
Variant type: single nucleotide variant.
Coding change: c.1504G>A on transcript NM_004336.5 (MANE Select); coding-DNA position 1504, G replaced by A.
Protein change: p.Ala502Thr; replaces alanine 502 with threonine.
Molecular consequence: missense variant.
Genome position (GRCh38, 1-based): chr2:110,658,422, C>T on the plus strand (G>A on the coding strand, the complement: BUB1 is on the minus strand). VCF-style: chr2-110658422-C-T. GRCh37 (hg19) VCF-style: chr2-111415999-C-T.
Other names: c.1444G>A, p.Ala482Thr (NM_001278616.2); c.1504G>A, p.Ala502Thr (NM_001278617.2); short protein forms A502T, A482T.
Identifiers: ClinVar variation 2565814 (VCV002565814.2), dbSNP rs140051751, ClinGen allele CA348212261.

ClinVar aggregate classification (germline): Uncertain significance (1 of 4 stars; one submission).

gnomAD v4.1: 1 of 1,611,938 alleles (0.000062%); highest among the groups gnomAD compares: Non-Finnish European, 0.000085%; no homozygotes.

Submission:

Ambry Genetics
Classification: Uncertain significance. Last evaluated: 2023-05-21. Review status: criteria provided, single submitter. Criteria: Ambry Variant Classification Scheme 2023. Collection method: clinical testing. Allele origin: germline.
Comment: The p.A502T variant (also known as c.1504G>A), located in coding exon 13 of the BUB1 gene, results from a G to A substitution at nucleotide position 1504. The alanine at codon 502 is replaced by threonine, an amino acid with similar properties. This amino acid position is conserved. In addition, this alteration is predicted to be tolerated by in silico analysis. Since supporting evidence is limited at this time, the clinical significance of this alteration remains unclear.